The following is an entry in ClinVar:

NM_001385641.1(SAMD11):c.2320G>A (p.Val774Met)

Gene: SAMD11 (sterile alpha motif domain containing 11; plus strand). Cytogenetic location: 1p36.33.
Variant type: single nucleotide variant.
Coding change: c.2320G>A on transcript NM_001385641.1 (MANE Select); coding-DNA position 2320, G replaced by A.
Protein change: p.Val774Met; replaces valine 774 with methionine.
Molecular consequence: missense variant.
Genome position (GRCh38, 1-based): chr1:943,938, G>A. VCF-style: chr1-943938-G-A. GRCh37 (hg19) VCF-style: chr1-879318-G-A.
Other names: c.2323G>A, p.Val775Met (NM_001385640.1); c.1831G>A, p.Val611Met (NM_152486.4); short protein forms V611M, V774M, V775M.
Identifiers: ClinVar variation 3617762 (VCV003617762.2).

ClinVar aggregate classification (germline): Uncertain significance (1 of 4 stars; one submission).

gnomAD v4.1: 12 of 1,612,556 alleles (0.00074%); highest among the groups gnomAD compares: East Asian, 0.013%; no homozygotes.

Submission:

Labcorp Genetics (formerly Invitae), Labcorp
Classification: Uncertain significance. Last evaluated: 2024-12-24. Review status: criteria provided, single submitter. Criteria: Invitae Variant Classification Sherloc (09022015). Collection method: clinical testing. Allele origin: germline.
Comment: This sequence change replaces valine, which is neutral and non-polar, with methionine, which is neutral and non-polar, at codon 611 of the SAMD11 protein (p.Val611Met). This variant is present in population databases (rs777407018, gnomAD 0.0009%). This variant has not been reported in the literature in individuals affected with SAMD11-related conditions. An algorithm developed to predict the effect of missense changes on protein structure and function outputs the following: PolyPhen-2: "Benign". The methionine amino acid residue is found in multiple mammalian species, which suggests that this missense change does not adversely affect protein function. In summary, the available evidence is currently insufficient to determine the role of this variant in disease. Therefore, it has been classified as a Variant of Uncertain Significance.